The following is an entry in ClinVar:

ClinVar aggregate classification (germline): Uncertain significance (1 of 4 stars; one submission).

Submission:

Ambry Genetics
Classification: Uncertain significance. Last evaluated: 2025-07-19. Review status: criteria provided, single submitter. Criteria: Ambry Variant Classification Scheme 2023. Collection method: clinical testing. Allele origin: germline.
Comment: The p.E150G variant (also known as c.449A>G), located in coding exon 4 of the RAD51B gene, results from an A to G substitution at nucleotide position 449. The glutamic acid at codon 150 is replaced by glycine, an amino acid with similar properties. This amino acid position is conserved. In addition, the in silico prediction for this alteration is inconclusive. Based on the available evidence, the clinical significance of this variant remains unclear.

NM_133510.4(RAD51B):c.449A>G (p.Glu150Gly)

Gene: RAD51B (RAD51 paralog B; plus strand). Cytogenetic location: 14q24.1.
Variant type: single nucleotide variant.
Coding change: c.449A>G on transcript NM_133510.4 (MANE Select); coding-DNA position 449, A replaced by G.
Protein change: p.Glu150Gly; replaces glutamic acid 150 with glycine.
Molecular consequence: missense variant.
Genome position (GRCh38, 1-based): chr14:67,865,136, A>G. VCF-style: chr14-67865136-A-G. GRCh37 (hg19) VCF-style: chr14-68331853-A-G.
Other names: c.449A>G, p.Glu150Gly (NM_001321809.2, NM_001321810.2, NM_001321812.1 and 6 more transcripts); c.335A>G, p.Glu112Gly (NM_001321815.1); c.92A>G, p.Glu31Gly (NM_001321817.2); short protein forms E112G, E31G, E150G.
Identifiers: ClinVar variation 4149832 (VCV004149832.1).